The following is an entry in ClinVar:

NM_001384474.1(LOXHD1):c.4886A>G (p.Tyr1629Cys)

Gene: LOXHD1 (lipoxygenase homology PLAT domains 1; minus strand). Cytogenetic location: 18q21.1.
Variant type: single nucleotide variant.
Coding change: c.4886A>G on transcript NM_001384474.1 (MANE Select); coding-DNA position 4886, A replaced by G.
Protein change: p.Tyr1629Cys; replaces tyrosine 1629 with cysteine.
Molecular consequence: missense variant.
Genome position (GRCh38, 1-based): chr18:46,522,300, T>C on the plus strand (A>G on the coding strand, the complement: LOXHD1 is on the minus strand). VCF-style: chr18-46522300-T-C. GRCh37 (hg19) VCF-style: chr18-44102263-T-C.
Other names: c.1553A>G, p.Tyr518Cys (NM_001145472.3); c.1265A>G, p.Tyr422Cys (NM_001308013.2); c.4886A>G, p.Tyr1629Cys (NM_144612.7); short protein forms Y518C, Y1629C, Y422C.
Identifiers: ClinVar variation 743022 (VCV000743022.15), dbSNP rs201536647, ClinGen allele CA8952280.

ClinVar aggregate classification (germline): Benign. Review status: criteria provided, multiple submitters, no conflicts (2 of 4 stars). 3 submissions from 3 submitters: Benign (2). 1 of the submissions does not count toward it. Last evaluated 2026-01-28.

Conditions:
Autosomal recessive nonsyndromic hearing loss 77. Identifiers: Orphanet 90636, MedGen C2746083, MONDO:0013119, OMIM 613079.

Allele frequency attached by ClinVar (database versions not stated): gnomAD 0.00002 and 0.00048; TOPMed 0.00012; gnomAD exomes 0.00093 and 0.00236; 1000 Genomes Project 30x 0.00265; 1000 Genomes Project 0.00280; ExAC 0.00520.
gnomAD v4.1: 1,360 of 1,551,690 alleles (0.088%); highest among the groups gnomAD compares: South Asian, 1.5%; 20 homozygotes.

Submissions (3):

Labcorp Genetics (formerly Invitae), Labcorp
Classification: Benign. Last evaluated: 2026-01-28. Review status: criteria provided, single submitter. Criteria: Invitae Variant Classification Sherloc (09022015). Collection method: clinical testing. Allele origin: germline.

Laboratory for Molecular Medicine, Mass General Brigham Personalized Medicine
Classification: Benign. Last evaluated: 2017-08-23. Review status: criteria provided, single submitter. Criteria: LMM Criteria. Collection method: clinical testing. Allele origin: germline. Observed: 1 variant allele.
Comment: p.Tyr1629Cys in exon 32 of LOXHD1: This variant is not expected to have clinical significance because it has been identified in 1.46% (115/7866) of South Asian chromosomes by the Exome Aggregation Consortium (ExAC; dbSNP rs201536647).

Natera, Inc.
Classification: Benign for Autosomal recessive deafness type 77. Last evaluated: 2020-06-15. Review status: no assertion criteria provided. Collection method: clinical testing. Allele origin: germline. Not counted in ClinVar's aggregate classification.